The following is an entry in ClinVar:

NM_006922.4(SCN3A):c.3065T>A (p.Met1022Lys)

Gene: SCN3A (sodium voltage-gated channel alpha subunit 3; minus strand). Cytogenetic location: 2q24.3.
Variant type: single nucleotide variant.
Coding change: c.3065T>A on transcript NM_006922.4 (MANE Select); coding-DNA position 3065, T replaced by A.
Protein change: p.Met1022Lys; replaces methionine 1022 with lysine.
Molecular consequence: missense variant.
Genome position (GRCh38, 1-based): chr2:165,127,959, A>T on the plus strand (T>A on the coding strand, the complement: SCN3A is on the minus strand). VCF-style: chr2-165127959-A-T. GRCh37 (hg19) VCF-style: chr2-165984469-A-T.
Other names: c.2918T>A, p.Met973Lys (NM_001081676.2, NM_001081677.2); short protein forms M1022K, M973K.
Identifiers: ClinVar variation 1347592 (VCV001347592.8), dbSNP rs1687094161, ClinGen allele CA349041196.

ClinVar aggregate classification (germline): Uncertain significance (1 of 4 stars; one submission).

Submission:

Labcorp Genetics (formerly Invitae), Labcorp
Classification: Uncertain significance. Last evaluated: 2021-03-15. Review status: criteria provided, single submitter. Criteria: Invitae Variant Classification Sherloc (09022015). Collection method: clinical testing. Allele origin: germline.
Comment: This variant has been observed in individual(s) with clinical features of SCN3A-related conditions (Invitae). This variant is not present in population databases (ExAC no frequency). This sequence change replaces methionine with lysine at codon 1022 of the SCN3A protein (p.Met1022Lys). The methionine residue is weakly conserved and there is a moderate physicochemical difference between methionine and lysine. Algorithms developed to predict the effect of missense changes on protein structure and function (SIFT, PolyPhen-2, Align-GVGD) all suggest that this variant is likely to be tolerated, but these predictions have not been confirmed by published functional studies and their clinical significance is uncertain. In summary, the available evidence is currently insufficient to determine the role of this variant in disease. Therefore, it has been classified as a Variant of Uncertain Significance.